The following is an entry in ClinVar:

NM_001042492.3(NF1):c.5585T>A (p.Leu1862Ter)

Gene: NF1 (neurofibromin 1; plus strand). Cytogenetic location: 17q11.2.
Variant type: single nucleotide variant.
Coding change: c.5585T>A on transcript NM_001042492.3 (MANE Select); coding-DNA position 5585, T replaced by A.
Protein change: p.Leu1862Ter; replaces leucine 1862 with a stop codon.
Molecular consequence: nonsense.
Genome position (GRCh38, 1-based): chr17:31,327,815, T>A. VCF-style: chr17-31327815-T-A. GRCh37 (hg19) VCF-style: chr17-29654833-T-A.
Other names: c.5522T>A, p.Leu1841Ter (NM_000267.4); short protein forms L1862*, L1841*.
Identifiers: ClinVar variation 1445883 (VCV001445883.7), dbSNP rs2151541881, ClinGen allele CA399010023.
Genomic context (GRCh38, chr17:31,327,815, plus strand): 5'-ACACCAAGATTCGGCCAAAAGATGTCCCTGGGACACTGCTCAATATCGCATTACTTAATT[T>A]AGGCAGTTCTGACCCGAGTTTACGGTAGGTTTTTTAAAATTCTCTTCAGTTTGATTTGGG-3'

ClinVar aggregate classification (germline): Pathogenic. Review status: criteria provided, multiple submitters, no conflicts (2 of 4 stars). 2 submissions from 2 submitters: Pathogenic (2). Last evaluated 2023-01-25.

Conditions:
Hereditary cancer-predisposing syndrome. Also called: Tumor predisposition; Hereditary neoplastic syndrome; Hereditary Cancer Syndrome; Neoplastic Syndromes, Hereditary. Identifiers: Orphanet 140162, MedGen C0027672, MeSH D009386, MONDO:0015356.
Cardiovascular phenotype. Identifiers: MedGen CN230736.
Neurofibromatosis, type 1 (NF1). Also called: NEUROFIBROMATOSIS, TYPE I, SOMATIC; VON RECKLINGHAUSEN DISEASE; Peripheral type neurofibromatosis; Neurofibromatosis, type I. Identifiers: Orphanet 636, MedGen C0027831, MONDO:0018975, OMIM 162200. Disease mechanism: loss of function.

Submissions (2):

Ambry Genetics
Classification: Pathogenic for Cardiovascular phenotype; Hereditary cancer-predisposing syndrome. Last evaluated: 2023-01-25. Review status: criteria provided, single submitter. Criteria: Ambry Variant Classification Scheme 2023. Collection method: clinical testing. Allele origin: germline.
Comment: The p.L1841* pathogenic mutation (also known as c.5522T>A), located in coding exon 37 of the NF1 gene, results from a T to A substitution at nucleotide position 5522. This changes the amino acid from a leucine to a stop codon within coding exon 37. This alteration is expected to result in loss of function by premature protein truncation or nonsense-mediated mRNA decay. As such, this alteration is interpreted as a disease-causing mutation.

Labcorp Genetics (formerly Invitae), Labcorp
Classification: Pathogenic for Neurofibromatosis, type 1. Last evaluated: 2021-01-16. Review status: criteria provided, single submitter. Criteria: Invitae Variant Classification Sherloc (09022015). Collection method: clinical testing. Allele origin: germline.
Comment: This variant has not been reported in the literature in individuals with NF1-related conditions. For these reasons, this variant has been classified as Pathogenic. This variant is not present in population databases (ExAC no frequency). This sequence change creates a premature translational stop signal (p.Leu1841*) in the NF1 gene. It is expected to result in an absent or disrupted protein product. Loss-of-function variants in NF1 are known to be pathogenic (PMID: 10712197, 23913538).

Literature cited by the submitters: PubMed 10712197 (cited by Labcorp Genetics (formerly Invitae), Labcorp); PubMed 23913538 (cited by Labcorp Genetics (formerly Invitae), Labcorp).